The following is an entry in ClinVar:

NM_014363.6(SACS):c.7255_7259del (p.Glu2419fs)

Gene: SACS (sacsin molecular chaperone; minus strand). Cytogenetic location: 13q12.12.
Variant type: Deletion.
Coding change: c.7255_7259del on transcript NM_014363.6 (MANE Select); coding-DNA positions 7255 to 7259, 5 bases deleted (GAGAA; older notation c.7255_7259delGAGAA).
Protein change: p.Glu2419fs; shifts the reading frame from glutamic acid 2419.
Molecular consequence: frameshift variant.
Genome position (GRCh38, 1-based): chr13:23,336,617-23,336,621, TTCTC deleted on the plus strand (GAGAA on the coding strand, the reverse complement: SACS is on the minus strand); deleting any 5 consecutive bases within chr13:23,336,617-23,336,625 gives the same sequence; the c. name uses the placement nearest the transcript's 3' end. VCF-style (leftmost placement, unchanged base first): chr13-23336616-ATTCTC-A. GRCh37 (hg19) VCF-style: chr13-23910755-ATTCTC-A.
Other names: c.6814_6818del, p.Glu2272fs (NM_001278055.2); short protein forms E2272fs, E2419fs.
Identifiers: ClinVar variation 2678510 (VCV002678510.2), dbSNP rs769706074, ClinGen allele CA6910941.

ClinVar aggregate classification (germline): Pathogenic. Review status: criteria provided, multiple submitters, no conflicts (2 of 4 stars). 2 submissions from 2 submitters: Pathogenic (2). Last evaluated 2026-03-24.

Conditions:
Charlevoix-Saguenay spastic ataxia (SACS). Also called: SPASTIC ATAXIA 6, AUTOSOMAL RECESSIVE; AUTOSOMAL RECESSIVE SPASTIC ATAXIA OF CHARLEVOIX-SAGUENAY; Spastic ataxia of Charlevoix-Saguenay. Identifiers: Orphanet 98, MedGen C1849140, MONDO:0010041, OMIM 270550.

Submissions (2):

Myriad Genetics, Inc.
Classification: Pathogenic for Charlevoix-Saguenay spastic ataxia. Last evaluated: 2026-03-24. Review status: criteria provided, single submitter. Criteria: Myriad Autosomal Dominant, Autosomal Recessive and X-Linked Classification Criteria (2023). Collection method: clinical testing. Allele origin: unknown.
Comment: NM_014363.4(SACS):c.7255_7259del5(E2419Ffs*10) is a frameshift variant classified as pathogenic in the context of autosomal recessive spastic ataxia of Charlevoix-Saguenay. E2419Ffs*10 has been observed in cases with relevant disease (PMID: 29538656, 22816526). Relevant functional assessments of this variant are not available in the literature. E2419Ffs*10 has been observed in referenced population frequency databases. In summary, NM_014363.4(SACS):c.7255_7259del5(E2419Ffs*10) is a frameshift variant that has been observed more frequently in cases with the relevant disease than in healthy populations. Please note: this variant was assessed in the context of healthy population screening.

Baylor Genetics
Classification: Pathogenic for Charlevoix-Saguenay spastic ataxia. Last evaluated: 2023-08-30. Review status: criteria provided, single submitter. Criteria: ACMG Guidelines, 2015. Collection method: clinical testing. Allele origin: unknown.

Literature cited by the submitters: PubMed 22816526 (cited by Myriad Genetics, Inc.); PubMed 29538656 (cited by Myriad Genetics, Inc.).